The following is an entry in ClinVar:

ClinVar aggregate classification (germline): Benign (1 of 4 stars; one submission).

Conditions:
Heterotaxy, visceral, 4, autosomal (HTX4). Identifiers: Orphanet 450, MedGen C3151057, MONDO:0013403, OMIM 613751.

Allele frequency attached by ClinVar (database versions not stated): gnomAD exomes 0.00108; 1000 Genomes Project 30x 0.00937; 1000 Genomes Project 0.00938; gnomAD 0.00986 and 0.01074; TOPMed 0.01120.
gnomAD v4.1: 2,781 of 1,267,462 alleles (0.22%); highest among the groups gnomAD compares: African/African-American, 3.4%; 51 homozygotes.

Submission:

Illumina Laboratory Services, Illumina
Classification: Benign for Heterotaxy, visceral, 4, autosomal. Last evaluated: 2018-01-13. Review status: criteria provided, single submitter. Criteria: ICSL Variant Classification Criteria 13 December 2019. Collection method: clinical testing. Allele origin: germline.
Comment: This variant was observed in the ICSL laboratory as part of a predisposition screen in an ostensibly healthy population. It had not been previously curated by ICSL or reported in the Human Gene Mutation Database (HGMD: prior to June 1st, 2018), and was therefore a candidate for classification through an automated scoring system. Utilizing variant allele frequency, disease prevalence and penetrance estimates, and inheritance mode, an automated score was calculated to assess if this variant is too frequent to cause the disease. Based on the score and internal cut-off values, a variant classified as benign is not then subjected to further curation. The score for this variant resulted in a classification of benign for this disease.

NM_001106.4(ACVR2B):c.*87A>G

Gene: ACVR2B (activin A receptor type 2B; plus strand). Cytogenetic location: 3p22.2.
Variant type: single nucleotide variant.
Coding change: c.*87A>G on transcript NM_001106.4 (MANE Select); 87 bases downstream of the stop codon, A replaced by G.
Molecular consequence: 3 prime UTR variant.
Genome position (GRCh38, 1-based): chr3:38,483,419, A>G. VCF-style: chr3-38483419-A-G. GRCh37 (hg19) VCF-style: chr3-38524910-A-G.
Identifiers: ClinVar variation 344923 (VCV000344923.5), dbSNP rs78099173, ClinGen allele CA10618545.